The following is an entry in ClinVar:

NM_033225.6(CSMD1):c.7505G>T (p.Gly2502Val)

Gene: CSMD1 (CUB and Sushi multiple domains 1; minus strand). Cytogenetic location: 8p23.2.
Variant type: single nucleotide variant.
Coding change: c.7505G>T on transcript NM_033225.6 (MANE Select); coding-DNA position 7505, G replaced by T.
Protein change: p.Gly2502Val; replaces glycine 2502 with valine.
Molecular consequence: missense variant.
Genome position (GRCh38, 1-based): chr8:3,052,617, C>A on the plus strand (G>T on the coding strand, the complement: CSMD1 is on the minus strand). VCF-style: chr8-3052617-C-A. GRCh37 (hg19) VCF-style: chr8-2910139-C-A.
Other names: short protein forms G2502V.
Identifiers: ClinVar variation 4879258 (VCV004879258.1).

ClinVar aggregate classification (germline): Uncertain significance (1 of 4 stars; one submission).

Conditions:
CSMD1-related disorder. Also called: CSMD1-related condition.

Submission:

Clinical Genomics Laboratory, Washington University in St. Louis
Classification: Uncertain significance for CSMD1-related disorder. Last evaluated: 2026-04-12. Review status: criteria provided, single submitter. Criteria: ACMG Guidelines, 2015. Collection method: clinical testing. Allele origin: germline.
Comment: The CSMD1 c.7505G>T (p.Gly2502Val) variant, to our knowledge, has not been reported in the medical literature. This variant is absent from the general population (gnomAD v2.1.1), indicating it is not a common variant. Computational predictors suggest that the variant does not impact CSMD1 function. Due to limited information, the clinical significance of this variant is uncertain.

Literature cited by the submitters: PubMed 24410847; PubMed 38816421; PubMed 40330149.